The following is an entry in ClinVar:

ClinVar aggregate classification (germline): Uncertain significance (1 of 4 stars; one submission).

Conditions:
Chédiak-Higashi syndrome (CHS). Also called: Chediak-Higashi Syndrome. Identifiers: Orphanet 167, MedGen C0007965, MONDO:0008963, OMIM 214500.

Submission:

Labcorp Genetics (formerly Invitae), Labcorp
Classification: Uncertain significance for Chédiak-Higashi syndrome. Last evaluated: 2023-12-11. Review status: criteria provided, single submitter. Criteria: Invitae Variant Classification Sherloc (09022015). Collection method: clinical testing. Allele origin: germline.
Comment: This sequence change replaces histidine, which is basic and polar, with tyrosine, which is neutral and polar, at codon 747 of the LYST protein (p.His747Tyr). This variant is not present in population databases (gnomAD no frequency). This variant has not been reported in the literature in individuals affected with LYST-related conditions. ClinVar contains an entry for this variant (Variation ID: 2079468). Advanced modeling of protein sequence and biophysical properties (such as structural, functional, and spatial information, amino acid conservation, physicochemical variation, residue mobility, and thermodynamic stability) performed at Invitae indicates that this missense variant is not expected to disrupt LYST protein function with a negative predictive value of 80%. In summary, the available evidence is currently insufficient to determine the role of this variant in disease. Therefore, it has been classified as a Variant of Uncertain Significance.

NM_000081.4(LYST):c.2239C>T (p.His747Tyr)

Gene: LYST (lysosomal trafficking regulator; minus strand). Cytogenetic location: 1q42.3.
Variant type: single nucleotide variant.
Coding change: c.2239C>T on transcript NM_000081.4 (MANE Select); coding-DNA position 2239, C replaced by T.
Protein change: p.His747Tyr; replaces histidine 747 with tyrosine.
Molecular consequence: missense variant.
Genome position (GRCh38, 1-based): chr1:235,808,579, G>A on the plus strand (C>T on the coding strand, the complement: LYST is on the minus strand). VCF-style: chr1-235808579-G-A. GRCh37 (hg19) VCF-style: chr1-235971879-G-A.
Other names: c.2239C>T, p.His747Tyr (NM_001301365.1); short protein forms H747Y.
Identifiers: ClinVar variation 2079468 (VCV002079468.4), dbSNP rs2527104125, ClinGen allele CA344958772.
Genomic context (GRCh38, chr1:235,808,579, plus strand): 5'-GGTTATGATGGCTACATACATGACTTTGAGCTGAAGTAACGCTTAGGTGTTGACAATGAT[G>A]TGCTAATTCAACTCCTCTTTGGAGCACAGGATTAAATATGTAATTATATAATTTCCACTG-3'
Protein context (NP_000072.2, residues 737-757): PVLQRGVELA[His747Tyr]HCQHLSVTSA